The following is an entry in ClinVar:

ClinVar aggregate classification (germline): Uncertain significance (1 of 4 stars; one submission).

Allele frequency attached by ClinVar (database versions not stated): gnomAD exomes 0.00001 and 0.00002; ExAC 0.00003.
gnomAD v4.1: 8 of 1,614,002 alleles (0.0005%); highest among the groups gnomAD compares: Non-Finnish European, 0.00068%; no homozygotes.

Submission:

Labcorp Genetics (formerly Invitae), Labcorp
Classification: Uncertain significance. Last evaluated: 2021-08-14. Review status: criteria provided, single submitter. Criteria: Invitae Variant Classification Sherloc (09022015). Collection method: clinical testing. Allele origin: germline.
Comment: This sequence change replaces serine with glycine at codon 1314 of the LRP2 protein (p.Ser1314Gly). The serine residue is highly conserved and there is a small physicochemical difference between serine and glycine. This variant is present in population databases (rs759873903, ExAC 0.006%). This variant has not been reported in the literature in individuals affected with LRP2-related conditions. Algorithms developed to predict the effect of missense changes on protein structure and function (SIFT, PolyPhen-2, Align-GVGD) all suggest that this variant is likely to be tolerated. In summary, the available evidence is currently insufficient to determine the role of this variant in disease. Therefore, it has been classified as a Variant of Uncertain Significance.

NM_004525.3(LRP2):c.3940A>G (p.Ser1314Gly)

Gene: LRP2 (LDL receptor related protein 2; minus strand). Cytogenetic location: 2q31.1.
Variant type: single nucleotide variant.
Coding change: c.3940A>G on transcript NM_004525.3 (MANE Select); coding-DNA position 3940, A replaced by G.
Protein change: p.Ser1314Gly; replaces serine 1314 with glycine.
Molecular consequence: missense variant.
Genome position (GRCh38, 1-based): chr2:169,241,093, T>C on the plus strand (A>G on the coding strand, the complement: LRP2 is on the minus strand). VCF-style: chr2-169241093-T-C. GRCh37 (hg19) VCF-style: chr2-170097603-T-C.
Other names: short protein forms S1314G.
Identifiers: ClinVar variation 1397711 (VCV001397711.5), dbSNP rs759873903, ClinGen allele CA1954911.